The following is an entry in ClinVar:

NM_024596.5(MCPH1):c.1937C>G (p.Pro646Arg)

Gene: MCPH1 (microcephalin 1; plus strand). Cytogenetic location: 8p23.1.
Variant type: single nucleotide variant.
Coding change: c.1937C>G on transcript NM_024596.5 (MANE Select); coding-DNA position 1937, C replaced by G.
Protein change: p.Pro646Arg; replaces proline 646 with arginine.
Molecular consequence: missense variant. On other transcripts: intron variant (1).
Genome position (GRCh38, 1-based): chr8:6,477,595, C>G. VCF-style: chr8-6477595-C-G. GRCh37 (hg19) VCF-style: chr8-6335116-C-G.
Other names: c.1937C>G, p.Pro646Arg (NM_001322042.2, NM_001363979.1); c.1935+22343C>G (NM_001363980.2); short protein forms P646R.
Identifiers: ClinVar variation 1480539 (VCV001480539.3), dbSNP rs1403723725, ClinGen allele CA370215481.
Genomic context (GRCh38, chr8:6,477,595, plus strand): 5'-GGAAAAATATTTTTTATGTTTTTGACTGTTTTTTGTTCCTTCTTGTTTGAAATCTCTAGC[C>G]AACAAGAACATTAGTCATGACAAGCATGCCATCTGAGTAAGTACTTGTTTTGATTTCTGT-3'
Protein context (NP_078872.3, residues 636-656): ELKKSGRGKK[Pro646Arg]TRTLVMTSMP

ClinVar aggregate classification (germline): Uncertain significance (1 of 4 stars; one submission).

Allele frequency attached by ClinVar (database versions not stated): gnomAD exomes below 0.00001; TOPMed below 0.00001.
gnomAD v4.1: 3 of 1,612,272 alleles (0.00019%); highest among the groups gnomAD compares: Admixed American, 0.0017%; no homozygotes.

Submission:

Labcorp Genetics (formerly Invitae), Labcorp
Classification: Uncertain significance. Last evaluated: 2021-10-24. Review status: criteria provided, single submitter. Criteria: Invitae Variant Classification Sherloc (09022015). Collection method: clinical testing. Allele origin: germline.
Comment: This sequence change replaces proline, which is neutral and non-polar, with arginine, which is basic and polar, at codon 646 of the MCPH1 protein (p.Pro646Arg). This variant is present in population databases (no rsID available, gnomAD 0.003%). This variant has not been reported in the literature in individuals affected with MCPH1-related conditions. Algorithms developed to predict the effect of missense changes on protein structure and function are either unavailable or do not agree on the potential impact of this missense change (SIFT: "Not Available"; PolyPhen-2: "Benign"; Align-GVGD: "Not Available"). In summary, the available evidence is currently insufficient to determine the role of this variant in disease. Therefore, it has been classified as a Variant of Uncertain Significance.